The following is an entry in ClinVar:

NM_000384.3(APOB):c.8348C>T (p.Ser2783Leu)

Gene: APOB (apolipoprotein B; minus strand). Cytogenetic location: 2p24.1.
Variant type: single nucleotide variant.
Coding change: c.8348C>T on transcript NM_000384.3 (MANE Select); coding-DNA position 8348, C replaced by T.
Protein change: p.Ser2783Leu; replaces serine 2783 with leucine.
Molecular consequence: missense variant.
Genome position (GRCh38, 1-based): chr2:21,008,520, G>A on the plus strand (C>T on the coding strand, the complement: APOB is on the minus strand). VCF-style: chr2-21008520-G-A. GRCh37 (hg19) VCF-style: chr2-21231392-G-A.
Other names: short protein forms S2783L.
Identifiers: ClinVar variation 2145768 (VCV002145768.3), dbSNP rs2465366283, ClinGen allele CA345994454.

ClinVar aggregate classification (germline): Uncertain significance (1 of 4 stars; one submission).

Conditions:
Familial hypobetalipoproteinemia 1. Also called: APOB-Related Familial Hypobetalipoproteinemia; Hypobetalipoproteinemia, normotriglyceridemic; Acanthocytosis with hypobetalipoproteinemia. Identifiers: MedGen C4551990, MONDO:0014252, OMIM 615558.
Hypercholesterolemia, autosomal dominant, type B (FHCL2). Also called: Hyperlipoproteinemia Type IIb; Familial Hypercholesterolemia Type B; APOLIPOPROTEIN B-100, FAMILIAL DEFECTIVE; APOLIPOPROTEIN B-100, FAMILIAL LIGAND-DEFECTIVE; HYPERCHOLESTEROLEMIA, FAMILIAL, DUE TO LIGAND-DEFECTIVE APOLIPOPROTEIN B; APOB-Related Familial Hypercholesterolemia, Autosomal Dominant. Identifiers: MedGen C1704417, MONDO:0007751, OMIM 144010.

Submission:

Labcorp Genetics (formerly Invitae), Labcorp
Classification: Uncertain significance for Familial hypobetalipoproteinemia 1; Hypercholesterolemia, autosomal dominant, type B. Last evaluated: 2022-01-23. Review status: criteria provided, single submitter. Criteria: Invitae Variant Classification Sherloc (09022015). Collection method: clinical testing. Allele origin: germline.
Comment: In summary, the available evidence is currently insufficient to determine the role of this variant in disease. Therefore, it has been classified as a Variant of Uncertain Significance. Algorithms developed to predict the effect of missense changes on protein structure and function output the following: SIFT: "Tolerated"; PolyPhen-2: "Benign"; Align-GVGD: "Class C0". The leucine amino acid residue is found in multiple mammalian species, which suggests that this missense change does not adversely affect protein function. This variant has not been reported in the literature in individuals affected with APOB-related conditions. This variant is not present in population databases (gnomAD no frequency). This sequence change replaces serine, which is neutral and polar, with leucine, which is neutral and non-polar, at codon 2783 of the APOB protein (p.Ser2783Leu).